The following is an entry in ClinVar:

NM_003489.4(NRIP1):c.2912A>G (p.Asn971Ser)

Gene: NRIP1 (nuclear receptor interacting protein 1; minus strand). Cytogenetic location: 21q11.2.
Variant type: single nucleotide variant.
Coding change: c.2912A>G on transcript NM_003489.4 (MANE Select); coding-DNA position 2912, A replaced by G.
Protein change: p.Asn971Ser; replaces asparagine 971 with serine.
Molecular consequence: missense variant.
Genome position (GRCh38, 1-based): chr21:14,965,281, T>C on the plus strand (A>G on the coding strand, the complement: NRIP1 is on the minus strand). VCF-style: chr21-14965281-T-C. GRCh37 (hg19) VCF-style: chr21-16337602-T-C.
Other names: short protein forms N971S.
Identifiers: ClinVar variation 2389499 (VCV002389499.7), dbSNP rs143638809, ClinGen allele CA9981059.

ClinVar aggregate classification (germline): Conflicting classifications of pathogenicity. Review status: criteria provided, conflicting classifications (1 of 4 stars). 3 submissions from 3 submitters: Uncertain significance (1); Likely benign (1). 1 of the submissions does not count toward it. Last evaluated 2025-01-23.

Conditions:
NRIP1-related disorder. Also called: NRIP1-related condition.
Inborn genetic diseases. Identifiers: MedGen C0950123, MeSH D030342.

Allele frequency attached by ClinVar (database versions not stated): gnomAD exomes 0.00007; gnomAD 0.00010; TOPMed 0.00015; ExAC 0.00020; 1000 Genomes Project 30x 0.00031; 1000 Genomes Project 0.00040.
gnomAD v4.1: 146 of 1,614,042 alleles (0.009%); highest among the groups gnomAD compares: East Asian, 0.18%; no homozygotes.

Submissions (3):

Labcorp Genetics (formerly Invitae), Labcorp
Classification: Likely benign. Last evaluated: 2025-01-23. Review status: criteria provided, single submitter. Criteria: Invitae Variant Classification Sherloc (09022015). Collection method: clinical testing. Allele origin: germline.

Ambry Genetics
Classification: Uncertain significance for Inborn genetic diseases. Last evaluated: 2022-11-08. Review status: criteria provided, single submitter. Criteria: Ambry Variant Classification Scheme 2023. Collection method: clinical testing. Allele origin: germline.

PreventionGenetics, part of Exact Sciences
Classification: Likely benign for NRIP1-related condition. Last evaluated: 2023-12-24. Review status: no assertion criteria provided. Collection method: clinical testing. Allele origin: germline. Not counted in ClinVar's aggregate classification.
Comment: This variant is classified as likely benign based on ACMG/AMP sequence variant interpretation guidelines (Richards et al. 2015 PMID: 25741868, with internal and published modifications).